The following is an entry in ClinVar:

NM_004991.4(MECOM):c.1377G>C (p.Met459Ile)

Gene: MECOM (MDS1 and EVI1 complex locus; minus strand). Cytogenetic location: 3q26.2.
Variant type: single nucleotide variant.
Coding change: c.1377G>C on transcript NM_004991.4 (MANE Select); coding-DNA position 1377, G replaced by C.
Protein change: p.Met459Ile; replaces methionine 459 with isoleucine.
Molecular consequence: missense variant. On other transcripts: intron variant (2).
Genome position (GRCh38, 1-based): chr3:169,116,495, C>G on the plus strand (G>C on the coding strand, the complement: MECOM is on the minus strand). VCF-style: chr3-169116495-C-G. GRCh37 (hg19) VCF-style: chr3-168834283-C-G.
Other names: c.1008G>C, p.Met336Ile (NM_001105077.4); c.813G>C, p.Met271Ile (NM_001105078.4, NM_001164000.2, NM_001205194.2 and 4 more transcripts); c.816G>C, p.Met272Ile (NM_001163999.2, NM_001366467.2, NM_001366468.2 and 1 more transcripts); c.1377G>C, p.Met459Ile (NM_001366466.2); c.1133-728G>C (NM_001366473.2); c.569-728G>C (NM_001366474.2); short protein forms M272I, M459I, M271I, M336I.
Identifiers: ClinVar variation 4624628 (VCV004624628.1).

ClinVar aggregate classification (germline): Uncertain significance (1 of 4 stars; one submission).

Conditions:
Inborn genetic diseases. Identifiers: MedGen C0950123, MeSH D030342.

gnomAD v4.1: 1 of 1,614,188 alleles (0.000062%); highest among the groups gnomAD compares: East Asian, 0.0022%; no homozygotes.

Submission:

Ambry Genetics
Classification: Uncertain significance for Inborn genetic diseases. Last evaluated: 2025-10-06. Review status: criteria provided, single submitter. Criteria: Ambry Variant Classification Scheme 2023. Collection method: clinical testing. Allele origin: germline.
Comment: The p.M459I variant (also known as c.1377G>C), located in coding exon 8 of the MECOM gene, results from a G to C substitution at nucleotide position 1377. The methionine at codon 459 is replaced by isoleucine, an amino acid with highly similar properties. This amino acid position is conserved. In addition, the in silico prediction for this alteration is inconclusive. Based on the available evidence, the clinical significance of this variant remains unclear.